The following is an entry in ClinVar:

NM_004329.3(BMPR1A):c.223A>G (p.Thr75Ala)

Gene: BMPR1A (bone morphogenetic protein receptor type 1A; plus strand). Cytogenetic location: 10q23.2.
Variant type: single nucleotide variant.
Coding change: c.223A>G on transcript NM_004329.3 (MANE Select); coding-DNA position 223, A replaced by G.
Protein change: p.Thr75Ala; replaces threonine 75 with alanine.
Molecular consequence: missense variant.
Genome position (GRCh38, 1-based): chr10:86,890,217, A>G. VCF-style: chr10-86890217-A-G. GRCh37 (hg19) VCF-style: chr10-88649974-A-G.
Other names: short protein forms T75A.
Identifiers: ClinVar variation 486802 (VCV000486802.12), dbSNP rs1554888142, ClinGen allele CA377447247.

ClinVar aggregate classification (germline): Uncertain significance. Review status: criteria provided, multiple submitters, no conflicts (2 of 4 stars). 2 submissions from 2 submitters: Uncertain significance (2). Last evaluated 2025-04-10.

Conditions:
Hereditary cancer-predisposing syndrome. Also called: Tumor predisposition; Neoplastic Syndromes, Hereditary; Hereditary Cancer Syndrome; Hereditary neoplastic syndrome. Identifiers: Orphanet 140162, MedGen C0027672, MeSH D009386, MONDO:0015356.
Juvenile polyposis syndrome (JPS). Identifiers: Orphanet 2929, MedGen C0345893, MONDO:0017380, OMIM 174900.

Submissions (2):

Ambry Genetics
Classification: Uncertain significance for Hereditary cancer-predisposing syndrome. Last evaluated: 2025-04-10. Review status: criteria provided, single submitter. Criteria: Ambry Variant Classification Scheme 2023. Collection method: clinical testing. Allele origin: germline.
Comment: The p.T75A variant (also known as c.223A>G), located in coding exon 2 of the BMPR1A gene, results from an A to G substitution at nucleotide position 223. The threonine at codon 75 is replaced by alanine, an amino acid with similar properties. This variant was not reported in population based cohorts in the following databases: Database of Single Nucleotide Polymorphisms (dbSNP), NHLBI Exome Sequencing Project (ESP), and 1000 Genomes Project. In the ESP, this variant was not observed in 6503 samples (13006 alleles) with coverage at this position. To date, this alteration has been detected with an allele frequency of approximately 0.002% (greater than 65000 alleles tested) in our clinical cohort. This amino acid position is highly conserved in available vertebrate species. In addition, this alteration is predicted to be deleterious by in silico analysis. Since supporting evidence is limited at this time, the clinical significance of this alteration remains unclear.

Labcorp Genetics (formerly Invitae), Labcorp
Classification: Uncertain significance for Juvenile polyposis syndrome. Last evaluated: 2021-08-27. Review status: criteria provided, single submitter. Criteria: Invitae Variant Classification Sherloc (09022015). Collection method: clinical testing. Allele origin: germline.
Comment: This sequence change replaces threonine with alanine at codon 75 of the BMPR1A protein (p.Thr75Ala). The threonine residue is highly conserved and there is a small physicochemical difference between threonine and alanine. This variant is not present in population databases (ExAC no frequency). This variant has not been reported in the literature in individuals affected with BMPR1A-related conditions. ClinVar contains an entry for this variant (Variation ID: 486802). Advanced modeling of protein sequence and biophysical properties (such as structural, functional, and spatial information, amino acid conservation, physicochemical variation, residue mobility, and thermodynamic stability) performed at Invitae indicates that this missense variant is expected to disrupt BMPR1A protein function. In summary, the available evidence is currently insufficient to determine the role of this variant in disease. Therefore, it has been classified as a Variant of Uncertain Significance.